The following is an entry in ClinVar:

NM_001330078.2(NRXN1):c.3371C>T (p.Thr1124Met)

Gene: NRXN1 (neurexin 1; minus strand). Cytogenetic location: 2p16.3.
Variant type: single nucleotide variant.
Coding change: c.3371C>T on transcript NM_001330078.2 (MANE Select); coding-DNA position 3371, C replaced by T.
Protein change: p.Thr1124Met; replaces threonine 1124 with methionine.
Molecular consequence: missense variant.
Genome position (GRCh38, 1-based): chr2:50,236,964, G>A on the plus strand (C>T on the coding strand, the complement: NRXN1 is on the minus strand). VCF-style: chr2-50236964-G-A. GRCh37 (hg19) VCF-style: chr2-50464102-G-A.
Other names: c.3491C>T, p.Thr1164Met (NM_001135659.3); c.3347C>T, p.Thr1116Met (NM_001330077.2, NM_001330082.2); c.3305C>T, p.Thr1102Met (NM_001330083.2, NM_001330084.2); c.3344C>T, p.Thr1115Met (NM_001330085.2); c.3371C>T, p.Thr1124Met (NM_001330086.2, NM_004801.6); c.3260C>T, p.Thr1087Met (NM_001330087.2, NM_001330096.2); c.3290C>T, p.Thr1097Met (NM_001330088.2); c.266C>T, p.Thr89Met (NM_001330091.2, NM_001330092.2, NM_001330097.2 and 1 more transcripts); and 3 more; short protein forms T1120M, T89M, T1097M, T1087M, T1102M, T1116M, T1124M, T1107M.
Identifiers: ClinVar variation 968251 (VCV000968251.13), dbSNP rs1453129845, ClinGen allele CA346821140.
Genomic context (GRCh38, chr2:50,236,964, plus strand): 5'-CGGTCATTAGGAGGCCACTTATACGTGATTTGTCCACCACCTTTGCTAAAGATATATGTC[G>A]TCCCAGCTGGAAAACAAAAACCAAAACCAATTAGTCCAAATACATCAAGTCTGCACATTA-3'
Protein context (NP_001317007.1, residues 1114-1134): FSGPLCNDPG[Thr1124Met]TYIFSKGGGQ

ClinVar aggregate classification (germline): Uncertain significance. Review status: criteria provided, multiple submitters, no conflicts (2 of 4 stars). 4 submissions from 4 submitters: Uncertain significance (4). Last evaluated 2026-01-05.

Conditions:
Inborn genetic diseases. Identifiers: MedGen C0950123, MeSH D030342.
Pitt-Hopkins-like syndrome 2 (PTHSL2). Identifiers: Orphanet 221150, Orphanet 600663, MedGen C3280479, MONDO:0013690, OMIM 614325.

Allele frequency attached by ClinVar (database versions not stated): gnomAD 0.00001; TOPMed 0.00002; gnomAD exomes 0.00003.
gnomAD v4.1: 70 of 1,612,758 alleles (0.0043%); highest among the groups gnomAD compares: Admixed American, 0.01%; no homozygotes.

Submissions (4):

Labcorp Genetics (formerly Invitae), Labcorp
Classification: Uncertain significance for Pitt-Hopkins-like syndrome 2. Last evaluated: 2026-01-05. Review status: criteria provided, single submitter. Criteria: Invitae Variant Classification Sherloc (09022015). Collection method: clinical testing. Allele origin: germline.
Comment: This sequence change replaces threonine, which is neutral and polar, with methionine, which is neutral and non-polar, at codon 1164 of the NRXN1 protein (p.Thr1164Met). This variant is present in population databases (no rsID available, gnomAD 0.006%). This variant has not been reported in the literature in individuals affected with NRXN1-related conditions. ClinVar contains an entry for this variant (Variation ID: 968251). Invitae Evidence Modeling of protein sequence and biophysical properties (such as structural, functional, and spatial information, amino acid conservation, physicochemical variation, residue mobility, and thermodynamic stability) indicates that this missense variant is not expected to disrupt NRXN1 protein function with a negative predictive value of 80%. In summary, the available evidence is currently insufficient to determine the role of this variant in disease. Therefore, it has been classified as a Variant of Uncertain Significance.

Ambry Genetics
Classification: Uncertain significance for Inborn genetic diseases. Last evaluated: 2024-01-23. Review status: criteria provided, single submitter. Criteria: Ambry Variant Classification Scheme 2023. Collection method: clinical testing. Allele origin: germline.

Blueprint Genetics
Classification: Uncertain significance. Last evaluated: 2021-09-20. Review status: criteria provided, single submitter. Criteria: ACMG Guidelines, 2015. Collection method: clinical testing. Allele origin: germline.

GeneDx
Classification: Uncertain significance. Last evaluated: 2020-09-11. Review status: criteria provided, single submitter. Criteria: GeneDx Variant Classification Process June 2021. Collection method: clinical testing. Allele origin: germline. Affected: yes.
Comment: In silico analysis supports that this missense variant has a deleterious effect on protein structure/function; Has not been previously published as pathogenic or benign to our knowledge